The following is an entry in ClinVar:

ClinVar aggregate classification (germline): Uncertain significance. Review status: criteria provided, multiple submitters, no conflicts (2 of 4 stars). 2 submissions from 2 submitters: Uncertain significance (2). Last evaluated 2023-11-02.

Conditions:
Muscular dystrophy-dystroglycanopathy type B6 (MDDGB6). Also called: MUSCULAR DYSTROPHY-DYSTROGLYCANOPATHY (CONGENITAL WITH IMPAIRED INTELLECTUAL DEVELOPMENT), TYPE B, 6; MUSCULAR DYSTROPHY, CONGENITAL, LARGE-RELATED; MUSCULAR DYSTROPHY, CONGENITAL, TYPE 1D. Identifiers: MedGen C1837229, MONDO:0012138, OMIM 608840.

Allele frequency attached by ClinVar (database versions not stated): TOPMed 0.00001; gnomAD 0.00004; gnomAD exomes 0.00004; ExAC 0.00006; 1000 Genomes Project 30x 0.00031; 1000 Genomes Project 0.00040.
gnomAD v4.1: 57 of 1,614,274 alleles (0.0035%); highest among the groups gnomAD compares: East Asian, 0.011%; no homozygotes.

Submissions (2):

Revvity Omics, Revvity
Classification: Uncertain significance. Last evaluated: 2023-11-02. Review status: criteria provided, single submitter. Criteria: ACMG Guidelines, 2015. Collection method: clinical testing. Allele origin: germline.

Labcorp Genetics (formerly Invitae), Labcorp
Classification: Uncertain significance for Muscular dystrophy-dystroglycanopathy type B6. Last evaluated: 2022-06-28. Review status: criteria provided, single submitter. Criteria: Invitae Variant Classification Sherloc (09022015). Collection method: clinical testing. Allele origin: germline.
Comment: This sequence change replaces isoleucine, which is neutral and non-polar, with valine, which is neutral and non-polar, at codon 533 of the LARGE1 protein (p.Ile533Val). This variant is present in population databases (rs566107119, gnomAD 0.01%). This variant has not been reported in the literature in individuals affected with LARGE1-related conditions. Algorithms developed to predict the effect of missense changes on protein structure and function output the following: SIFT: "Tolerated"; PolyPhen-2: "Benign"; Align-GVGD: "Class C15". The valine amino acid residue is found in multiple mammalian species, which suggests that this missense change does not adversely affect protein function. In summary, the available evidence is currently insufficient to determine the role of this variant in disease. Therefore, it has been classified as a Variant of Uncertain Significance.

NM_133642.5(LARGE1):c.1597A>G (p.Ile533Val)

Gene: LARGE1 (LARGE xylosyl- and glucuronyltransferase 1; minus strand). Cytogenetic location: 22q12.3.
Variant type: single nucleotide variant.
Coding change: c.1597A>G on transcript NM_133642.5 (MANE Select); coding-DNA position 1597, A replaced by G.
Protein change: p.Ile533Val; replaces isoleucine 533 with valine.
Molecular consequence: missense variant.
Genome position (GRCh38, 1-based): chr22:33,304,362, T>C on the plus strand (A>G on the coding strand, the complement: LARGE1 is on the minus strand). VCF-style: chr22-33304362-T-C. GRCh37 (hg19) VCF-style: chr22-33700348-T-C.
Other names: c.1597A>G (NM_004737.6); c.1597A>G, p.Ile533Val (NM_001362949.2, NM_001362951.2, NM_001362953.2 and 6 more transcripts); c.1441A>G, p.Ile481Val (NM_001378629.1); c.994A>G, p.Ile332Val (NM_001378630.1); c.838A>G, p.Ile280Val (NM_001378631.1); short protein forms I280V, I481V, I332V, I533V.
Identifiers: ClinVar variation 1498877 (VCV001498877.7), dbSNP rs566107119, ClinGen allele CA10202702.